The following is an entry in ClinVar:

NM_001005273.3(CHD3):c.4130G>A (p.Arg1377His)

Gene: CHD3 (chromodomain helicase DNA binding protein 3; plus strand). Cytogenetic location: 17p13.1.
Variant type: single nucleotide variant.
Coding change: c.4130G>A on transcript NM_001005273.3 (MANE Select); coding-DNA position 4130, G replaced by A.
Protein change: p.Arg1377His; replaces arginine 1377 with histidine.
Molecular consequence: missense variant.
Genome position (GRCh38, 1-based): chr17:7,905,157, G>A. VCF-style: chr17-7905157-G-A. GRCh37 (hg19) VCF-style: chr17-7808475-G-A.
Other names: c.4307G>A, p.Arg1436His (NM_001005271.3, NM_001437504.1); c.4295G>A, p.Arg1432His (NM_001437507.1, NM_001437508.1, NM_001437509.1); c.4130G>A, p.Arg1377His (NM_005852.4); short protein forms R1377H, R1432H, R1436H.
Identifiers: ClinVar variation 4846989 (VCV004846989.1).
Genomic context (GRCh38, chr17:7,905,157, plus strand): 5'-CAGACAACCAGTCAGAGTACTCGGTGGGTTCAGAGGAGGAGGATGAAGACTTCGATGAAC[G>A]TCCTGAAGGTGGCATCTGTGTTCCTGACTCTACCTCACCTCTTCCCGTTTTATTTTCCAG-3'
Protein context (NP_001005273.1, residues 1367-1387): SEEEDEDFDE[Arg1377His]PEGRRQSKRQ

ClinVar aggregate classification (germline): Uncertain significance (1 of 4 stars; one submission).

Conditions:
Snijders Blok-Campeau syndrome. Also called: INTELLECTUAL DEVELOPMENTAL DISORDER WITH MACROCEPHALY, SPEECH DELAY, AND DYSMORPHIC FACIES. Identifiers: Orphanet 599082, MedGen C4748701, MONDO:0032600, OMIM 618205.

Submission:

Laboratorio de Genetica e Diagnostico Molecular, Hospital Israelita Albert Einstein
Classification: Uncertain significance for Snijders Blok-Campeau syndrome. Last evaluated: 2026-02-25. Review status: criteria provided, single submitter. Criteria: ACMG Guidelines, 2015. Collection method: clinical testing. Allele origin: germline. Affected: yes.
Comment: ACMG classification criteria: PM2 supporting, PP2 supporting, PP3 supporting